The following is an entry in ClinVar:

NM_006946.4(SPTBN2):c.3036C>T (p.Ala1012=)

Gene: SPTBN2 (spectrin beta, non-erythrocytic 2; minus strand). Cytogenetic location: 11q13.2.
Variant type: single nucleotide variant.
Coding change: c.3036C>T on transcript NM_006946.4 (MANE Select); coding-DNA position 3036, C replaced by T.
Protein change: p.Ala1012=; no amino-acid change (alanine 1012 retained).
Molecular consequence: synonymous variant.
Genome position (GRCh38, 1-based): chr11:66,701,063, G>A on the plus strand (C>T on the coding strand, the complement: SPTBN2 is on the minus strand). VCF-style: chr11-66701063-G-A. GRCh37 (hg19) VCF-style: chr11-66468534-G-A.
Other names: c.3057C>T, p.Ala1019= (NM_001411025.1); c.3036C>T, p.Ala1012= (NM_001437541.1).
Identifiers: ClinVar variation 4682406 (VCV004682406.2).
Genomic context (GRCh38, chr11:66,701,063, plus strand): 5'-CTGAGCGGGATGGCCGGCAGCCAGGGCATTTGCCTCTCGAGTCAGTTCGCCCACCCGGGC[G>A]GCGATGGCCTCCAGGTCCCGCTCCGTGCCGGCCAGCTTGCGCTGCAGGGCCAGCACCCCA-3'
Protein context (NP_008877.2, residues 1002-1022): AGTERDLEAI[Ala1012=]ARVGELTREA

ClinVar aggregate classification (germline): Likely benign. Review status: criteria provided, multiple submitters, no conflicts (2 of 4 stars). 2 submissions from 2 submitters: Likely benign (2). Last evaluated 2026-09-01.

Submissions (2):

CeGaT Center for Human Genetics Tuebingen
Classification: Likely benign. Last evaluated: 2026-09-01. Review status: criteria provided, single submitter. Criteria: CeGaT Center For Human Genetics Tuebingen Variant Classification Criteria Version 2. Collection method: clinical testing. Allele origin: germline. Affected: yes. Observed: 1 variant allele.
Comment: SPTBN2: BP4, BP7

Athena Diagnostics
Classification: Likely benign. Last evaluated: 2025-06-02. Review status: criteria provided, single submitter. Criteria: Athena Diagnostics Criteria. Collection method: clinical testing. Allele origin: unknown.
Comment: Computational tools yielded predictions that this variant is unlikely to have an effect on normal RNA splicing. This nucleotide position exhibits low evolutionary conservation.